The following is an entry in ClinVar:

ClinVar aggregate classification (germline): Likely benign. Review status: criteria provided, single submitter (1 of 4 stars). 2 submissions from 2 submitters: Likely benign (1). 1 of the submissions does not count toward it. Last evaluated 2024-11-27.

Conditions:
CD70-related disorder. Also called: CD70-related condition.

Allele frequency attached by ClinVar (database versions not stated): gnomAD 0.00440; ExAC 0.00020; gnomAD exomes 0.00059; 1000 Genomes Project 0.00339; 1000 Genomes Project 30x 0.00359; TOPMed 0.00510.
gnomAD v4.1: 995 of 699,352 alleles (0.14%); highest among the groups gnomAD compares: African/African-American, 1.5%; 5 homozygotes.

Submissions (2):

Blueprint Genetics
Classification: Likely benign. Last evaluated: 2024-11-27. Review status: criteria provided, single submitter. Criteria: ACMG Guidelines, 2015. Collection method: clinical testing. Allele origin: germline.

PreventionGenetics, part of Exact Sciences
Classification: Likely benign for CD70-related condition. Last evaluated: 2020-07-06. Review status: no assertion criteria provided. Collection method: clinical testing. Allele origin: germline. Not counted in ClinVar's aggregate classification.
Comment: This variant is classified as likely benign based on ACMG/AMP sequence variant interpretation guidelines (Richards et al. 2015 PMID: 25741868, with internal and published modifications).

NM_001330332.2(CD70):c.608A>G (p.Asn203Ser)

Gene: CD70 (CD70 molecule; minus strand). Cytogenetic location: 19p13.3.
Variant type: single nucleotide variant.
Coding change: c.608A>G on transcript NM_001330332.2; coding-DNA position 608, A replaced by G.
Protein change: p.Asn203Ser; replaces asparagine 203 with serine.
Molecular consequence: missense variant.
Genome position (GRCh38, 1-based): chr19:6,583,319, T>C on the plus strand (A>G on the coding strand, the complement: CD70 is on the minus strand). VCF-style: chr19-6583319-T-C. GRCh37 (hg19) VCF-style: chr19-6583330-T-C.
Other names: short protein forms N203S.
Identifiers: ClinVar variation 3042709 (VCV003042709.3), dbSNP rs142340418, ClinGen allele CA9127762.